The following is an entry in ClinVar:

NM_001281747.2(MLIP):c.2538C>T (p.Thr846=)

Gene: MLIP (muscular LMNA interacting protein; plus strand). Cytogenetic location: 6p12.1.
Variant type: single nucleotide variant.
Coding change: c.2538C>T on transcript NM_001281747.2 (MANE Select); coding-DNA position 2538, C replaced by T.
Protein change: p.Thr846=; no amino-acid change (threonine 846 retained).
Molecular consequence: synonymous variant.
Genome position (GRCh38, 1-based): chr6:54,169,566, C>T. VCF-style: chr6-54169566-C-T. GRCh37 (hg19) VCF-style: chr6-54034364-C-T.
Other names: c.2505C>T, p.Thr835= (NM_001281746.2); c.933C>T, p.Thr311= (NM_138569.3).
Identifiers: ClinVar variation 5040956 (VCV005040956.1).

ClinVar aggregate classification (germline): Likely benign (1 of 4 stars; one submission).

gnomAD v4.1: 219 of 1,587,268 alleles (0.014%); highest among the groups gnomAD compares: Middle Eastern, 0.034%; no homozygotes.

Submission:

CeGaT Center for Human Genetics Tuebingen
Classification: Likely benign. Last evaluated: 2026-09-01. Review status: criteria provided, single submitter. Criteria: CeGaT Center For Human Genetics Tuebingen Variant Classification Criteria Version 2. Collection method: clinical testing. Allele origin: germline. Affected: yes. Observed: 1 variant allele.
Comment: MLIP: BP4, BP7